The following is an entry in ClinVar:

ClinVar aggregate classification (germline): Uncertain significance (1 of 4 stars; one submission).

Conditions:
Vitamin B2 deficiency. Identifiers: MedGen C0035528.

Allele frequency attached by ClinVar (database versions not stated): TOPMed 0.00003; gnomAD exomes 0.00004 and 0.00005; gnomAD 0.00005 and 0.00008; ExAC 0.00008; ESP Exome Variant Server 0.00015.

Submission:

Labcorp Genetics (formerly Invitae), Labcorp
Classification: Uncertain significance for Vitamin B2 deficiency. Last evaluated: 2025-10-02. Review status: criteria provided, single submitter. Criteria: Invitae Variant Classification Sherloc (09022015). Collection method: clinical testing. Allele origin: germline.
Comment: This sequence change replaces proline, which is neutral and non-polar, with leucine, which is neutral and non-polar, at codon 252 of the SLC52A1 protein (p.Pro252Leu). This variant is present in population databases (rs148611457, gnomAD 0.01%). This variant has not been reported in the literature in individuals affected with SLC52A1-related conditions. ClinVar contains an entry for this variant (Variation ID: 1400705). An algorithm developed to predict the effect of missense changes on protein structure and function (PolyPhen-2) suggests that this variant is likely to be tolerated. In summary, the available evidence is currently insufficient to determine the role of this variant in disease. Therefore, it has been classified as a Variant of Uncertain Significance.

NM_017986.4(SLC52A1):c.755C>T (p.Pro252Leu)

Gene: SLC52A1 (solute carrier family 52 member 1; minus strand). Cytogenetic location: 17p13.2.
Variant type: single nucleotide variant.
Coding change: c.755C>T on transcript NM_017986.4 (MANE Select); coding-DNA position 755, C replaced by T.
Protein change: p.Pro252Leu; replaces proline 252 with leucine.
Molecular consequence: missense variant.
Genome position (GRCh38, 1-based): chr17:5,033,734, G>A on the plus strand (C>T on the coding strand, the complement: SLC52A1 is on the minus strand). VCF-style: chr17-5033734-G-A. GRCh37 (hg19) VCF-style: chr17-4937029-G-A.
Other names: c.755C>T, p.Pro252Leu (NM_001104577.2); short protein forms P252L.
Identifiers: ClinVar variation 1400705 (VCV001400705.6), dbSNP rs148611457, ClinGen allele CA8319717.
Genomic context (GRCh38, chr17:5,033,734, plus strand): 5'-TGGGCCTCAGGGTCTGGGCCAGGGATGGTGCCTGCTGCCTGGCTCGGTGGCTCCTGCAAT[G>A]GCAAAGCCTCTTCTTCCTCCTTCTCTTCCTCCTCTGCTCCTGGGGATCCCAGTTGAAGTT-3'
Protein context (NP_060456.3, residues 242-262): EEEKEEEEAL[Pro252Leu]LQEPPSQAAG